The following is an entry in ClinVar:

ClinVar aggregate classification (germline): Uncertain significance (1 of 4 stars; one submission).

gnomAD v4.1: 2 of 1,613,584 alleles (0.00012%); highest among the groups gnomAD compares: Non-Finnish European, 0.00017%; no homozygotes.

Submission:

GeneDx
Classification: Uncertain significance. Last evaluated: 2024-09-03. Review status: criteria provided, single submitter. Criteria: GeneDx Variant Classification Process June 2021. Collection method: clinical testing. Allele origin: germline. Affected: yes.
Comment: Not observed at significant frequency in large population cohorts (gnomAD); In silico analysis supports that this missense variant has a deleterious effect on protein structure/function; Has not been previously published as pathogenic or benign to our knowledge

NM_000350.3(ABCA4):c.2351A>G (p.Asp784Gly)

Gene: ABCA4 (ATP binding cassette subfamily A member 4; minus strand). Cytogenetic location: 1p22.1.
Variant type: single nucleotide variant.
Coding change: c.2351A>G on transcript NM_000350.3 (MANE Select); coding-DNA position 2351, A replaced by G.
Protein change: p.Asp784Gly; replaces aspartic acid 784 with glycine.
Molecular consequence: missense variant. On other transcripts: intron variant (1).
Genome position (GRCh38, 1-based): chr1:94,056,632, T>C on the plus strand (A>G on the coding strand, the complement: ABCA4 is on the minus strand). VCF-style: chr1-94056632-T-C. GRCh37 (hg19) VCF-style: chr1-94522188-T-C.
Other names: c.2161-1317A>G (NM_001425324.1); short protein forms D784G.
Identifiers: ClinVar variation 3766023 (VCV003766023.1).